The following is an entry in ClinVar:

NM_004839.4(HOMER2):c.188C>T (p.Pro63Leu)

Gene: HOMER2 (homer scaffold protein 2; minus strand). Cytogenetic location: 15q25.2.
Variant type: single nucleotide variant.
Coding change: c.188C>T on transcript NM_004839.4 (MANE Select); coding-DNA position 188, C replaced by T.
Protein change: p.Pro63Leu; replaces proline 63 with leucine.
Molecular consequence: missense variant.
Genome position (GRCh38, 1-based): chr15:82,875,379, G>A on the plus strand (C>T on the coding strand, the complement: HOMER2 is on the minus strand). VCF-style: chr15-82875379-G-A. GRCh37 (hg19) VCF-style: chr15-83544131-G-A.
Other names: c.188C>T, p.Pro63Leu (NM_199330.3); short protein forms P63L.
Identifiers: ClinVar variation 4888167 (VCV004888167.1).

ClinVar aggregate classification (germline): Uncertain significance (1 of 4 stars; one submission).

gnomAD v4.1: 12 of 1,613,932 alleles (0.00074%); highest among the groups gnomAD compares: Middle Eastern, 0.12%; no homozygotes.

Submission:

GeneDx
Classification: Uncertain significance. Last evaluated: 2023-05-08. Review status: criteria provided, single submitter. Criteria: GeneDx Variant Classification Process June 2021. Collection method: clinical testing. Allele origin: germline.
Comment: Identified in a patient with hearing loss in published literature (Noorian et al., 2021); Not observed at significant frequency in large population cohorts (gnomAD); In silico analysis supports that this missense variant has a deleterious effect on protein structure/function; Variants in candidate genes are classified as variants of uncertain significance in accordance with ACMG guidelines (Richards et al., 2015); This variant is associated with the following publications: (PMID: 34849273)